The following is an entry in ClinVar:

NM_001036.6(RYR3):c.2705A>G (p.His902Arg)

Gene: RYR3 (ryanodine receptor 3; plus strand). Cytogenetic location: 15q14.
Variant type: single nucleotide variant.
Coding change: c.2705A>G on transcript NM_001036.6 (MANE Select); coding-DNA position 2705, A replaced by G.
Protein change: p.His902Arg; replaces histidine 902 with arginine.
Molecular consequence: missense variant.
Genome position (GRCh38, 1-based): chr15:33,629,965, A>G. VCF-style: chr15-33629965-A-G. GRCh37 (hg19) VCF-style: chr15-33922166-A-G.
Other names: c.2705A>G, p.His902Arg (NM_001243996.4); short protein forms H902R.
Identifiers: ClinVar variation 854912 (VCV000854912.9), dbSNP rs2061185962, ClinGen allele CA391570026.

ClinVar aggregate classification (germline): Uncertain significance (1 of 4 stars; one submission).

Conditions:
Epileptic encephalopathy. Identifiers: MedGen C0543888, HP:0200134.

Submission:

Labcorp Genetics (formerly Invitae), Labcorp
Classification: Uncertain significance for Epileptic encephalopathy. Last evaluated: 2025-09-02. Review status: criteria provided, single submitter. Criteria: Invitae Variant Classification Sherloc (09022015). Collection method: clinical testing. Allele origin: germline.
Comment: This sequence change replaces histidine, which is basic and polar, with arginine, which is basic and polar, at codon 902 of the RYR3 protein (p.His902Arg). This variant is not present in population databases (gnomAD no frequency). This variant has not been reported in the literature in individuals affected with RYR3-related conditions. ClinVar contains an entry for this variant (Variation ID: 854912). An algorithm developed to predict the effect of missense changes on protein structure and function (PolyPhen-2) suggests that this variant is likely to be disruptive. In summary, the available evidence is currently insufficient to determine the role of this variant in disease. Therefore, it has been classified as a Variant of Uncertain Significance.